The following is an entry in ClinVar:

ClinVar aggregate classification (germline): Uncertain significance (1 of 4 stars; one submission).

Submission:

Labcorp Genetics (formerly Invitae), Labcorp
Classification: Uncertain significance. Last evaluated: 2021-12-24. Review status: criteria provided, single submitter. Criteria: Invitae Variant Classification Sherloc (09022015). Collection method: clinical testing. Allele origin: germline.
Comment: This sequence change creates a premature translational stop signal (p.Arg1052Aspfs*7) in the ANLN gene. It is expected to result in an absent or disrupted protein product. However, the current clinical and genetic evidence is not sufficient to establish whether loss-of-function variants in ANLN cause disease. This variant is not present in population databases (gnomAD no frequency). This variant has not been reported in the literature in individuals affected with ANLN-related conditions. In summary, the available evidence is currently insufficient to determine the role of this variant in disease. Therefore, it has been classified as a Variant of Uncertain Significance.

NM_018685.5(ANLN):c.3154del (p.Arg1052fs)

Gene: ANLN (anillin, actin binding protein; plus strand). Cytogenetic location: 7p14.2.
Variant type: Deletion.
Coding change: c.3154del on transcript NM_018685.5 (MANE Select); coding-DNA position 3154, one base deleted (A; older notation c.3154delA).
Protein change: p.Arg1052fs; shifts the reading frame from arginine 1052.
Molecular consequence: frameshift variant.
Genome position (GRCh38, 1-based): chr7:36,449,740, A deleted; the last of 2 consecutive A bases (chr7:36,449,739-36,449,740); deleting either gives the same sequence. VCF-style (leftmost placement, unchanged base first): chr7-36449738-CA-C. GRCh37 (hg19) VCF-style: chr7-36489347-CA-C.
Other names: c.3043del, p.Arg1015fs (NM_001284301.3); c.3040del, p.Arg1014fs (NM_001284302.3); short protein forms R1014fs, R1015fs, R1052fs.
Identifiers: ClinVar variation 2058939 (VCV002058939.4), dbSNP rs2534766044, ClinGen allele CA2580077084.